The following is an entry in ClinVar:

NM_007327.4(GRIN1):c.1121C>T (p.Pro374Leu)

Gene: GRIN1 (glutamate ionotropic receptor NMDA type subunit 1; plus strand). Cytogenetic location: 9q34.3.
Variant type: single nucleotide variant.
Coding change: c.1121C>T on transcript NM_007327.4 (MANE Select); coding-DNA position 1121, C replaced by T.
Protein change: p.Pro374Leu; replaces proline 374 with leucine.
Molecular consequence: missense variant.
Genome position (GRCh38, 1-based): chr9:137,158,628, C>T. VCF-style: chr9-137158628-C-T. GRCh37 (hg19) VCF-style: chr9-140053080-C-T.
Other names: c.1121C>T, p.Pro374Leu (NM_000832.7, NM_021569.4); c.1184C>T, p.Pro395Leu (NM_001185090.2, NM_001185091.2); short protein forms P395L, P374L.
Identifiers: ClinVar variation 2103868 (VCV002103868.4), dbSNP rs758695596, ClinGen allele CA5360841.

ClinVar aggregate classification (germline): Uncertain significance (1 of 4 stars; one submission).

Conditions:
Neurodevelopmental disorder with or without hyperkinetic movements and seizures, autosomal dominant. Also called: Intellectual disability, autosomal dominant 8. Identifiers: MedGen C3280282, MONDO:0013655, OMIM 614254.

Allele frequency attached by ClinVar (database versions not stated): ExAC 0.00001; gnomAD exomes 0.00001.
gnomAD v4.1: 12 of 1,612,614 alleles (0.00074%); highest among the groups gnomAD compares: Non-Finnish European, 0.001%; no homozygotes.

Submission:

Labcorp Genetics (formerly Invitae), Labcorp
Classification: Uncertain significance for Neurodevelopmental disorder with or without hyperkinetic movements and seizures, autosomal dominant. Last evaluated: 2022-02-27. Review status: criteria provided, single submitter. Criteria: Invitae Variant Classification Sherloc (09022015). Collection method: clinical testing. Allele origin: germline.
Comment: This sequence change replaces proline, which is neutral and non-polar, with leucine, which is neutral and non-polar, at codon 374 of the GRIN1 protein (p.Pro374Leu). In summary, the available evidence is currently insufficient to determine the role of this variant in disease. Therefore, it has been classified as a Variant of Uncertain Significance. Algorithms developed to predict the effect of missense changes on protein structure and function (SIFT, PolyPhen-2, Align-GVGD) all suggest that this variant is likely to be tolerated. This variant has not been reported in the literature in individuals affected with GRIN1-related conditions. This variant is present in population databases (rs758695596, gnomAD 0.003%).